The following is an entry in ClinVar:

NM_058216.3(RAD51C):c.245A>G (p.His82Arg)

Gene: RAD51C (RAD51 paralog C; plus strand). Cytogenetic location: 17q22.
Variant type: single nucleotide variant.
Coding change: c.245A>G on transcript NM_058216.3 (MANE Select); coding-DNA position 245, A replaced by G.
Protein change: p.His82Arg; replaces histidine 82 with arginine.
Molecular consequence: missense variant. On other transcripts: non-coding transcript variant (2).
Genome position (GRCh38, 1-based): chr17:58,695,030, A>G. VCF-style: chr17-58695030-A-G. GRCh37 (hg19) VCF-style: chr17-56772391-A-G.
Other names: c.245A>G, p.His82Arg (NM_002876.4); short protein forms H82R.
Identifiers: ClinVar variation 538766 (VCV000538766.19), dbSNP rs1555593600, ClinGen allele CA400340343.
Genomic context (GRCh38, chr17:58,695,030, plus strand): 5'-AAATTATCAGAAGAGAATGTCTCACAAATAAACCAAGATATGCTGGTACATCTGAGTCAC[A>G]CAAGAAGTGTACAGCACTGGAACTTCTTGAGCAGGAGCATACCCAGGGCTTCATAATCAC-3'
Protein context (NP_478123.1, residues 72-92): KPRYAGTSES[His82Arg]KKCTALELLE

ClinVar aggregate classification (germline): Conflicting classifications of pathogenicity. Review status: criteria provided, conflicting classifications (1 of 4 stars). 5 submissions from 5 submitters: Uncertain significance (4); Likely benign (1). Last evaluated 2025-12-22.

Conditions:
Breast-ovarian cancer, familial, susceptibility to, 3. Also called: RAD51C-Related Breast/Ovarian Cancer. Identifiers: Orphanet 145, MedGen C3150659, MONDO:0013253, OMIM 613399.
Fanconi anemia complementation group O. Also called: RAD51C-Related Fanconi Anemia. Identifiers: Orphanet 84, MedGen C3150653, MONDO:0013248, OMIM 613390.
Hereditary cancer-predisposing syndrome. Also called: Neoplastic Syndromes, Hereditary; Tumor predisposition; Hereditary Cancer Syndrome; Hereditary neoplastic syndrome. Identifiers: Orphanet 140162, MedGen C0027672, MeSH D009386, MONDO:0015356.

Allele frequency attached by ClinVar (database versions not stated): gnomAD exomes below 0.00001.
gnomAD v4.1: 2 of 1,614,120 alleles (0.00012%); highest among the groups gnomAD compares: South Asian, 0.0011%; no homozygotes.

Submissions (5):

Labcorp Genetics (formerly Invitae), Labcorp
Classification: Uncertain significance for Fanconi anemia complementation group O. Last evaluated: 2025-12-22. Review status: criteria provided, single submitter. Criteria: Invitae Variant Classification Sherloc (09022015). Collection method: clinical testing. Allele origin: germline.
Comment: This sequence change replaces histidine, which is basic and polar, with arginine, which is basic and polar, at codon 82 of the RAD51C protein (p.His82Arg). This variant is not present in population databases (gnomAD no frequency). This variant has not been reported in the literature in individuals affected with RAD51C-related conditions. ClinVar contains an entry for this variant (Variation ID: 538766). Invitae Evidence Modeling of protein sequence and biophysical properties (such as structural, functional, and spatial information, amino acid conservation, physicochemical variation, residue mobility, and thermodynamic stability) indicates that this missense variant is not expected to disrupt RAD51C protein function with a negative predictive value of 80%. In summary, the available evidence is currently insufficient to determine the role of this variant in disease. Therefore, it has been classified as a Variant of Uncertain Significance.

Ambry Genetics
Classification: Likely benign for Hereditary cancer-predisposing syndrome. Last evaluated: 2024-02-26. Review status: criteria provided, single submitter. Criteria: Ambry Variant Classification Scheme 2023. Collection method: clinical testing. Allele origin: germline.

Baylor Genetics
Classification: Uncertain significance for Breast-ovarian cancer, familial, susceptibility to, 3. Last evaluated: 2023-08-31. Review status: criteria provided, single submitter. Criteria: ACMG Guidelines, 2015. Collection method: clinical testing. Allele origin: unknown.

Color Diagnostics, LLC DBA Color Health
Classification: Uncertain significance for Hereditary cancer-predisposing syndrome. Last evaluated: 2019-08-22. Review status: criteria provided, single submitter. Criteria: ACMG Guidelines, 2015. Collection method: clinical testing. Allele origin: germline.
Comment: This missense variant replaces histidine with arginine at codon 82 of the RAD51C protein. Computational prediction tools and conservation analyses suggest that this variant may not impact protein structure and function. Splice site prediction tools suggest that this variant may not impact RNA splicing. To our knowledge, functional studies have not been performed for this variant. This variant has not been reported in individuals affected with hereditary cancer in the literature. This variant has not been identified in the general population by the Genome Aggregation Database (gnomAD). The available evidence is insufficient to determine the role of this variant in disease conclusively. Therefore, this variant is classified as a Variant of Uncertain Significance.

Department of Pathology and Laboratory Medicine, Sinai Health System
Classification: Uncertain significance for Breast-ovarian cancer, familial, susceptibility to, 3. Last evaluated: 2017-06-14. Review status: criteria provided, single submitter. Criteria: ACMG Guidelines, 2015. Collection method: clinical testing. Allele origin: germline. Affected: yes.

Literature cited by the submitters: PubMed 32885271 (cited by Ambry Genetics).